The following is an entry in ClinVar:

NM_152490.5(B3GALNT2):c.865C>T (p.Leu289Phe)

Gene: B3GALNT2 (beta-1,3-N-acetylgalactosaminyltransferase 2; minus strand). Cytogenetic location: 1q42.3.
Variant type: single nucleotide variant.
Coding change: c.865C>T on transcript NM_152490.5 (MANE Select); coding-DNA position 865, C replaced by T.
Protein change: p.Leu289Phe; replaces leucine 289 with phenylalanine.
Molecular consequence: missense variant.
Genome position (GRCh38, 1-based): chr1:235,458,763, G>A on the plus strand (C>T on the coding strand, the complement: B3GALNT2 is on the minus strand). VCF-style: chr1-235458763-G-A. GRCh37 (hg19) VCF-style: chr1-235622071-G-A.
Other names: short protein forms L289F.
Identifiers: ClinVar variation 660530 (VCV000660530.12), dbSNP rs185213208, ClinGen allele CA1464751.

ClinVar aggregate classification (germline): Uncertain significance. Review status: criteria provided, multiple submitters, no conflicts (2 of 4 stars). 5 submissions from 5 submitters: Uncertain significance (5). Last evaluated 2026-08-18.

Conditions:
Inborn genetic diseases. Identifiers: MedGen C0950123, MeSH D030342.
Muscular dystrophy-dystroglycanopathy (congenital with brain and eye anomalies), type a, 11 (MDDGA11). Also called: Muscular dystrophy-dystroglycanopathy (congenital with brain and eye anomalies, type A, 11; WALKER-WARBURG SYNDROME OR MUSCLE-EYE-BRAIN DISEASE, B3GALNT2-RELATED; Congenital muscular dystrophy-dystroglycanopathy with brain and eye anomalies, type A11. Identifiers: Orphanet 588, Orphanet 899, MedGen C3554638, MONDO:0014071, OMIM 615181.

Allele frequency attached by ClinVar (database versions not stated): 1000 Genomes Project 0.00020; TOPMed 0.00026; gnomAD exomes 0.00029 and 0.00042; gnomAD 0.00030 and 0.00032; 1000 Genomes Project 30x 0.00031; ESP Exome Variant Server 0.00031; ExAC 0.00032.
gnomAD v4.1: 638 of 1,598,248 alleles (0.04%); highest among the groups gnomAD compares: Non-Finnish European, 0.051%; no homozygotes.

Submissions (5):

Ambry Genetics
Classification: Uncertain significance for Inborn genetic diseases. Last evaluated: 2026-08-18. Review status: criteria provided, single submitter. Criteria: Ambry Variant Classification Scheme 2023. Collection method: clinical testing. Allele origin: germline.
Comment: The c.865C>T (p.L289F) alteration is located in exon 8 (coding exon 8) of the B3GALNT2 gene. This alteration results from a C to T substitution at nucleotide position 865, causing the leucine (L) at amino acid position 289 to be replaced by a phenylalanine (F). Based on data from gnomAD, the T allele has an overall frequency of 0.032% (85/265666) total alleles studied. The highest observed frequency was 0.056% (70/124458) of European (non-Finnish) alleles. This amino acid position is highly conserved in available vertebrate species. This alteration is predicted to be tolerated by in silico analysis. Based on insufficient or conflicting evidence, the clinical significance of this alteration remains unclear.

GeneDx
Classification: Uncertain significance. Last evaluated: 2026-07-29. Review status: criteria provided, single submitter. Criteria: GeneDx Variant Classification Process June 2021. Collection method: clinical testing. Allele origin: germline.
Comment: In silico analysis suggests that this missense variant does not alter protein structure/function; Has not been previously published as pathogenic or benign to our knowledge; In silico analysis suggests this variant may impact gene splicing. In the absence of RNA/functional studies, the actual effect of this sequence change is unknown.

Labcorp Genetics (formerly Invitae), Labcorp
Classification: Uncertain significance for Muscular dystrophy-dystroglycanopathy (congenital with brain and eye anomalies), type a, 11. Last evaluated: 2022-08-31. Review status: criteria provided, single submitter. Criteria: Invitae Variant Classification Sherloc (09022015). Collection method: clinical testing. Allele origin: germline.
Comment: This sequence change replaces leucine, which is neutral and non-polar, with phenylalanine, which is neutral and non-polar, at codon 289 of the B3GALNT2 protein (p.Leu289Phe). This variant is present in population databases (rs185213208, gnomAD 0.06%). This variant has not been reported in the literature in individuals affected with B3GALNT2-related conditions. ClinVar contains an entry for this variant (Variation ID: 660530). Algorithms developed to predict the effect of missense changes on protein structure and function are either unavailable or do not agree on the potential impact of this missense change (SIFT: "Deleterious"; PolyPhen-2: "Probably Damaging"; Align-GVGD: "Class C0"). Algorithms developed to predict the effect of sequence changes on RNA splicing suggest that this variant may create or strengthen a splice site. In summary, the available evidence is currently insufficient to determine the role of this variant in disease. Therefore, it has been classified as a Variant of Uncertain Significance.

Revvity Omics, Revvity
Classification: Uncertain significance for Muscular dystrophy-dystroglycanopathy (congenital with brain and eye anomalies), type a, 11. Last evaluated: 2020-02-21. Review status: criteria provided, single submitter. Criteria: ACMG Guidelines, 2015. Collection method: clinical testing. Allele origin: germline.

Baylor Genetics
Classification: Uncertain significance for Muscular dystrophy-dystroglycanopathy (congenital with brain and eye anomalies), type a, 11. Last evaluated: 2018-01-08. Review status: criteria provided, single submitter. Criteria: ACMG Guidelines, 2015. Collection method: clinical testing. Allele origin: paternal. Affected: yes.
Comment: This variant was determined to be of uncertain significance according to ACMG Guidelines, 2015 [PMID:25741868].